The following is an entry in ClinVar:

NM_000393.5(COL5A2):c.1816G>A (p.Gly606Arg)

Gene: COL5A2 (collagen type V alpha 2 chain; minus strand). Cytogenetic location: 2q32.2.
Variant type: single nucleotide variant.
Coding change: c.1816G>A on transcript NM_000393.5 (MANE Select); coding-DNA position 1816, G replaced by A.
Protein change: p.Gly606Arg; replaces glycine 606 with arginine.
Molecular consequence: missense variant.
Genome position (GRCh38, 1-based): chr2:189,063,225, C>T on the plus strand (G>A on the coding strand, the complement: COL5A2 is on the minus strand). VCF-style: chr2-189063225-C-T. GRCh37 (hg19) VCF-style: chr2-189927951-C-T.
Other names: short protein forms G606R.
Identifiers: ClinVar variation 4635352 (VCV004635352.1).

ClinVar aggregate classification (germline): Uncertain significance (1 of 4 stars; one submission).

Conditions:
Familial thoracic aortic aneurysm and aortic dissection (TAAD). Also called: Thoracic aortic aneurysms and dissections. Identifiers: Orphanet 91387, MedGen C4707243, MONDO:0019625.

gnomAD v4.1: 13 of 1,614,180 alleles (0.00081%); highest among the groups gnomAD compares: Non-Finnish European, 0.0011%; no homozygotes.

Submission:

Ambry Genetics
Classification: Uncertain significance for Familial thoracic aortic aneurysm and aortic dissection. Last evaluated: 2025-09-26. Review status: criteria provided, single submitter. Criteria: Ambry Variant Classification Scheme 2023. Collection method: clinical testing. Allele origin: germline.
Comment: The p.G606R variant (also known as c.1816G>A), located in coding exon 27 of the COL5A2 gene, results from a G to A substitution at nucleotide position 1816. The glycine at codon 606 is replaced by arginine, an amino acid with dissimilar properties. Internal structural analysis indicates that this alteration disrupts the characteristic G-X-Y motif of the triple helical domain in the COL5A2 protein and inserts a bulky side chain into a sterically-constrained region (Bella J et al.Science.1994;266:75-81; Hohenester E et al.Proc. Natl.Acad. Sci.U.S.A.2008;105:18273-7; Ambry internal data). Glycine substitutions in the triple helical domain of COL5A2 have been reported in association with classic Ehlers-Danlos syndrome (cEDS), but the number of affected individuals is limited and several other COL5A2 glycine substitutions in the triple helical domain (e.g., p.G951E and p.G831A) are too common for disease in population databases (Symoens S et al.Hum. Mutat., 2012 Oct;33:1485-93; Ritelli M et al.Orphanet J Rare Dis.2013 Apr;8:58). This amino acid position is highly conserved in available vertebrate species. In addition, this alteration is predicted to be deleterious by in silico analysis. Based on the available evidence, the clinical significance of this variant remains unclear.